The following is an entry in ClinVar:

ClinVar aggregate classification (germline): Uncertain significance (1 of 4 stars; one submission).

Submission:

Laboratory for Molecular Medicine, Mass General Brigham Personalized Medicine
Classification: Uncertain significance. Last evaluated: 2019-09-18. Review status: criteria provided, single submitter. Criteria: LMM Criteria. Collection method: clinical testing. Allele origin: germline. Observed: 2 variant alleles.
Comment: The p.Gly2659Ser variant in CHD7 has not been previously reported in individuals with hearing loss, CHARGE syndrome, or Kallmann syndrome, and was absent from large population studies. Computational prediction tools and conservation analysis suggest that this variant may impact the protein, though this information is not predictive enough to determine pathogenicity. In summary, the clinical significance of this variant is uncertain. ACMG/AMP Criteria applied: PM2, PP3.

NM_017780.4(CHD7):c.7975G>A (p.Gly2659Ser)

Gene: CHD7 (chromodomain helicase DNA binding protein 7; plus strand). Cytogenetic location: 8q12.2.
Variant type: single nucleotide variant.
Coding change: c.7975G>A on transcript NM_017780.4 (MANE Select); coding-DNA position 7975, G replaced by A.
Protein change: p.Gly2659Ser; replaces glycine 2659 with serine.
Molecular consequence: missense variant.
Genome position (GRCh38, 1-based): chr8:60,862,551, G>A. VCF-style: chr8-60862551-G-A. GRCh37 (hg19) VCF-style: chr8-61775110-G-A.
Other names: c.1828G>A, p.Gly610Ser (NM_001316690.1); short protein forms G610S, G2659S.
Identifiers: ClinVar variation 930140 (VCV000930140.4), dbSNP rs1806047983, ClinGen allele CA371305767.